The following is an entry in ClinVar:

NM_001130009.3(GEN1):c.2353A>G (p.Thr785Ala)

Gene: GEN1 (GEN1 Holliday junction 5' flap endonuclease; plus strand). Cytogenetic location: 2p24.2.
Variant type: single nucleotide variant.
Coding change: c.2353A>G on transcript NM_001130009.3 (MANE Select); coding-DNA position 2353, A replaced by G.
Protein change: p.Thr785Ala; replaces threonine 785 with alanine.
Molecular consequence: missense variant.
Genome position (GRCh38, 1-based): chr2:17,781,565, A>G. VCF-style: chr2-17781565-A-G. GRCh37 (hg19) VCF-style: chr2-17962832-A-G.
Other names: c.2353A>G, p.Thr785Ala (NM_182625.5); short protein forms T785A.
Identifiers: ClinVar variation 3853626 (VCV003853626.1).

ClinVar aggregate classification (germline): Uncertain significance (1 of 4 stars; one submission).

Submission:

Ambry Genetics
Classification: Uncertain significance. Last evaluated: 2025-03-10. Review status: criteria provided, single submitter. Criteria: Ambry Variant Classification Scheme 2023. Collection method: clinical testing. Allele origin: germline.
Comment: The p.T785A variant (also known as c.2353A>G), located in coding exon 13 of the GEN1 gene, results from an A to G substitution at nucleotide position 2353. The threonine at codon 785 is replaced by alanine, an amino acid with similar properties. This amino acid position is conserved. In addition, this alteration is predicted to be tolerated by in silico analysis. Based on the available evidence, the clinical significance of this variant remains unclear.